The following is an entry in ClinVar:

NM_000138.5(FBN1):c.6623A>C (p.Asn2208Thr)

Gene: FBN1 (fibrillin 1; minus strand). Cytogenetic location: 15q21.1.
Variant type: single nucleotide variant.
Coding change: c.6623A>C on transcript NM_000138.5 (MANE Select); coding-DNA position 6623, A replaced by C.
Protein change: p.Asn2208Thr; replaces asparagine 2208 with threonine.
Molecular consequence: missense variant.
Genome position (GRCh38, 1-based): chr15:48,432,982, T>G on the plus strand (A>C on the coding strand, the complement: FBN1 is on the minus strand). VCF-style: chr15-48432982-T-G. GRCh37 (hg19) VCF-style: chr15-48725179-T-G.
Other names: c.6623A>C, p.Asn2208Thr (NM_001406716.1); short protein forms N2208T.
Identifiers: ClinVar variation 3754049 (VCV003754049.2).

ClinVar aggregate classification (germline): Likely pathogenic (1 of 4 stars; one submission).

Conditions:
Marfan syndrome (MFS). Also called: MARFAN SYNDROME, TYPE I; Marfan syndrome type 1; Marfan's syndrome; Marfan syndrome, classic; FBN1-Related Marfan Syndrome. Identifiers: Orphanet 284963, Orphanet 558, MedGen C0024796, MONDO:0007947, OMIM 154700.
Familial thoracic aortic aneurysm and aortic dissection (TAAD). Also called: Thoracic aortic aneurysms and dissections. Identifiers: Orphanet 91387, MedGen C4707243, MONDO:0019625.

Submission:

Labcorp Genetics (formerly Invitae), Labcorp
Classification: Likely pathogenic for Marfan syndrome; Familial thoracic aortic aneurysm and aortic dissection. Last evaluated: 2024-06-28. Review status: criteria provided, single submitter. Criteria: Invitae Variant Classification Sherloc (09022015). Collection method: clinical testing. Allele origin: germline.
Comment: This sequence change replaces asparagine, which is neutral and polar, with threonine, which is neutral and polar, at codon 2208 of the FBN1 protein (p.Asn2208Thr). This variant is not present in population databases (gnomAD no frequency). This variant has not been reported in the literature in individuals affected with FBN1-related conditions. Advanced modeling of protein sequence and biophysical properties (such as structural, functional, and spatial information, amino acid conservation, physicochemical variation, residue mobility, and thermodynamic stability) performed at Invitae indicates that this missense variant is expected to disrupt FBN1 protein function with a positive predictive value of 95%. This variant disrupts the p.Asn2208 amino acid residue in FBN1. Other variant(s) that disrupt this residue have been determined to be pathogenic (Invitae). This suggests that this residue is clinically significant, and that variants that disrupt this residue are likely to be disease-causing. In summary, the currently available evidence indicates that the variant is pathogenic, but additional data are needed to prove that conclusively. Therefore, this variant has been classified as Likely Pathogenic.